The following is an entry in ClinVar:

NM_024408.4(NOTCH2):c.5595G>C (p.Gln1865His)

Gene: NOTCH2 (notch receptor 2; minus strand). Cytogenetic location: 1p12.
Variant type: single nucleotide variant.
Coding change: c.5595G>C on transcript NM_024408.4 (MANE Select); coding-DNA position 5595, G replaced by C.
Protein change: p.Gln1865His; replaces glutamine 1865 with histidine.
Molecular consequence: missense variant.
Genome position (GRCh38, 1-based): chr1:119,919,498, C>G on the plus strand (G>C on the coding strand, the complement: NOTCH2 is on the minus strand). VCF-style: chr1-119919498-C-G. GRCh37 (hg19) VCF-style: chr1-120462121-C-G.
Other names: c.5595G>C (NM_024408.3); short protein forms Q1865H.
Identifiers: ClinVar variation 2792665 (VCV002792665.5), dbSNP rs2101149948, ClinGen allele CA341884597.

ClinVar aggregate classification (germline): Uncertain significance. Review status: criteria provided, multiple submitters, no conflicts (2 of 4 stars). 3 submissions from 3 submitters: Uncertain significance (3). Last evaluated 2026-01-21.

Conditions:
Hajdu-Cheney syndrome (HJCYS). Also called: ACROOSTEOLYSIS WITH OSTEOPOROSIS AND CHANGES IN SKULL AND MANDIBLE; SERPENTINE FIBULA-POLYCYSTIC KIDNEY SYNDROME; Acroosteolysis dominant type. Identifiers: Orphanet 955, MedGen C0917715, MONDO:0007057, OMIM 102500.

Submissions (3):

GeneDx
Classification: Uncertain significance. Last evaluated: 2026-01-21. Review status: criteria provided, single submitter. Criteria: GeneDx Variant Classification Process June 2021. Collection method: clinical testing. Allele origin: germline.
Comment: Not observed at significant frequency in large population cohorts (gnomAD); In silico analysis supports that this missense variant has a deleterious effect on protein structure/function; Has not been previously published as pathogenic or benign to our knowledge

Labcorp Genetics (formerly Invitae), Labcorp
Classification: Uncertain significance for Hajdu-Cheney syndrome. Last evaluated: 2025-01-23. Review status: criteria provided, single submitter. Criteria: Invitae Variant Classification Sherloc (09022015). Collection method: clinical testing. Allele origin: germline.
Comment: This sequence change replaces glutamine, which is neutral and polar, with histidine, which is basic and polar, at codon 1865 of the NOTCH2 protein (p.Gln1865His). This variant is not present in population databases (gnomAD no frequency). This variant has not been reported in the literature in individuals affected with NOTCH2-related conditions. ClinVar contains an entry for this variant (Variation ID: 2792665). Invitae Evidence Modeling of protein sequence and biophysical properties (such as structural, functional, and spatial information, amino acid conservation, physicochemical variation, residue mobility, and thermodynamic stability) indicates that this missense variant is not expected to disrupt NOTCH2 protein function with a negative predictive value of 80%. In summary, the available evidence is currently insufficient to determine the role of this variant in disease. Therefore, it has been classified as a Variant of Uncertain Significance.

Blueprint Genetics
Classification: Uncertain significance. Last evaluated: 2022-07-20. Review status: criteria provided, single submitter. Criteria: ACMG Guidelines, 2015. Collection method: clinical testing. Allele origin: germline.